The following is an entry in ClinVar:

ClinVar aggregate classification (germline): Uncertain significance (1 of 4 stars; one submission).

Conditions:
Cardiovascular phenotype. Identifiers: MedGen CN230736.

Submission:

Ambry Genetics
Classification: Uncertain significance for Cardiovascular phenotype. Last evaluated: 2026-08-16. Review status: criteria provided, single submitter. Criteria: Ambry Variant Classification Scheme 2023. Collection method: clinical testing. Allele origin: germline.
Comment: The p.T936P variant (also known as c.2806A>C), located in coding exon 27 of the MYBPC3 gene, results from an A to C substitution at nucleotide position 2806. The threonine at codon 936 is replaced by proline, an amino acid with highly similar properties. This amino acid position is conserved. In addition, the in silico prediction for this alteration is inconclusive. Based on the available evidence, the clinical significance of this variant remains unclear.

NM_000256.3(MYBPC3):c.2806A>C (p.Thr936Pro)

Gene: MYBPC3 (myosin binding protein C3; minus strand). Cytogenetic location: 11p11.2.
Variant type: single nucleotide variant.
Coding change: c.2806A>C on transcript NM_000256.3 (MANE Select); coding-DNA position 2806, A replaced by C.
Protein change: p.Thr936Pro; replaces threonine 936 with proline.
Molecular consequence: missense variant.
Genome position (GRCh38, 1-based): chr11:47,335,141, T>G on the plus strand (A>C on the coding strand, the complement: MYBPC3 is on the minus strand). VCF-style: chr11-47335141-T-G. GRCh37 (hg19) VCF-style: chr11-47356692-T-G.
Other names: short protein forms T936P.
Identifiers: ClinVar variation 5025027 (VCV005025027.1).